The following is an entry in ClinVar:

NM_001277062.2(MFF):c.205T>G (p.Ser69Ala)

Gene: MFF (mitochondrial fission factor; plus strand). Cytogenetic location: 2q36.3.
Variant type: single nucleotide variant.
Coding change: c.205T>G on transcript NM_001277062.2 (MANE Select); coding-DNA position 205, T replaced by G.
Protein change: p.Ser69Ala; replaces serine 69 with alanine.
Molecular consequence: missense variant. On other transcripts: non-coding transcript variant (1).
Genome position (GRCh38, 1-based): chr2:227,332,442, T>G. VCF-style: chr2-227332442-T-G. GRCh37 (hg19) VCF-style: chr2-228197158-T-G.
Other names: c.283T>G, p.Ser95Ala (NM_001277061.2, NM_020194.5); c.205T>G, p.Ser69Ala (NM_001277063.2, NM_001277064.2, NM_001277065.2 and 2 more transcripts); c.55T>G, p.Ser19Ala (NM_001277067.1); c.283T>G (NM_020194.4); short protein forms S19A, S95A, S69A.
Identifiers: ClinVar variation 1479931 (VCV001479931.10), dbSNP rs1027457073, ClinGen allele CA66640214.

ClinVar aggregate classification (germline): Uncertain significance. Review status: criteria provided, multiple submitters, no conflicts (2 of 4 stars). 2 submissions from 2 submitters: Uncertain significance (2). Last evaluated 2025-08-23.

Conditions:
Inborn genetic diseases. Identifiers: MedGen C0950123, MeSH D030342.

Allele frequency attached by ClinVar (database versions not stated): gnomAD exomes 0.00002; TOPMed 0.00003.

Submissions (2):

Ambry Genetics
Classification: Uncertain significance for Inborn genetic diseases. Last evaluated: 2025-08-23. Review status: criteria provided, single submitter. Criteria: Ambry Variant Classification Scheme 2023. Collection method: clinical testing. Allele origin: germline.

Labcorp Genetics (formerly Invitae), Labcorp
Classification: Uncertain significance. Last evaluated: 2023-09-11. Review status: criteria provided, single submitter. Criteria: Invitae Variant Classification Sherloc (09022015). Collection method: clinical testing. Allele origin: germline.
Comment: This variant is not present in population databases (gnomAD no frequency). In summary, the available evidence is currently insufficient to determine the role of this variant in disease. Therefore, it has been classified as a Variant of Uncertain Significance. An algorithm developed to predict the effect of missense changes on protein structure and function (PolyPhen-2) suggests that this variant is likely to be disruptive. ClinVar contains an entry for this variant (Variation ID: 1479931). This variant has not been reported in the literature in individuals affected with MFF-related conditions. This sequence change replaces serine, which is neutral and polar, with alanine, which is neutral and non-polar, at codon 95 of the MFF protein (p.Ser95Ala).